The following is an entry in ClinVar:

ClinVar aggregate classification (germline): Pathogenic. Review status: criteria provided, multiple submitters, no conflicts (2 of 4 stars). 3 submissions from 3 submitters: Pathogenic (2). 1 of the submissions does not count toward it. Last evaluated 2025-12-16.

Conditions:
COL1A1-related disorder. Also called: COL1A1-related condition; COL1A1- related disease.
Osteogenesis imperfecta type I (OI1). Also called: OI, TYPE I; OSTEOGENESIS IMPERFECTA TARDA; OSTEOGENESIS IMPERFECTA WITH BLUE SCLERAE; Osteogenesis imperfecta type 1; Classic Non-deforming Osteogenesis Imperfecta with Blue Sclerae; Lobstein's Disease. Identifiers: Orphanet 216796, Orphanet 666, MedGen C0023931, MONDO:0008146, OMIM 166200. Disease mechanism: loss of function.

Submissions (3):

PreventionGenetics, part of Exact Sciences
Classification: Pathogenic for COL1A1-related condition. Last evaluated: 2025-12-16. Review status: criteria provided, single submitter. Criteria: ACMG Guidelines, 2015. Collection method: clinical testing. Allele origin: germline.
Comment: The COL1A1 c.1379delC variant is predicted to result in a frameshift and premature protein termination (p.Pro460Leufs*81). This variant has been reported in individuals with osteogenesis imperfecta I (Table S1, Malmgren et al. 2017. PubMed ID: 27510842; reported as de novo, Tüysüz et al. 2021. PubMed ID: 34902613). This variant has not been reported in a large population database (gnomAD), indicating this variant is rare. Frameshift variants in COL1A1 are expected to be pathogenic. This variant is interpreted as pathogenic.

Labcorp Genetics (formerly Invitae), Labcorp
Classification: Pathogenic for Osteogenesis imperfecta type I. Last evaluated: 2025-02-04. Review status: criteria provided, single submitter. Criteria: Invitae Variant Classification Sherloc (09022015). Collection method: clinical testing. Allele origin: germline.
Comment: This sequence change creates a premature translational stop signal (p.Pro460Leufs*81) in the COL1A1 gene. It is expected to result in an absent or disrupted protein product. Loss-of-function variants in COL1A1 are known to be pathogenic (PMID: 7942841, 9295084, 9443882). This variant is not present in population databases (gnomAD no frequency). This premature translational stop signal has been observed in individual(s) with osteogenesis imperfecta (PMID: 27510842). ClinVar contains an entry for this variant (Variation ID: 425582). For these reasons, this variant has been classified as Pathogenic.

Department of Medical Sciences, Uppsala University
Classification: Pathogenic for OI type I. Review status: no assertion criteria provided. Collection method: clinical testing. Allele origin: maternal. Affected: yes. Observed: 2 variant alleles. Not counted in ClinVar's aggregate classification.

Literature cited by the submitters: PubMed 7942841 (cited by Labcorp Genetics (formerly Invitae), Labcorp); PubMed 9295084 (cited by Labcorp Genetics (formerly Invitae), Labcorp); PubMed 9443882 (cited by Labcorp Genetics (formerly Invitae), Labcorp); PubMed 27510842 (cited by Labcorp Genetics (formerly Invitae), Labcorp); PubMed 25944380 (cited by Department of Medical Sciences, Uppsala University).

NM_000088.4(COL1A1):c.1379del (p.Pro460fs)

Gene: COL1A1 (collagen type I alpha 1 chain; minus strand). Cytogenetic location: 17q21.33.
Variant type: Deletion.
Coding change: c.1379del on transcript NM_000088.4 (MANE Select); coding-DNA position 1379, one base deleted (C; older notation c.1379delC).
Protein change: p.Pro460fs; shifts the reading frame from proline 460.
Molecular consequence: frameshift variant.
Genome position (GRCh38, 1-based): chr17:50,194,803, G deleted on the plus strand (C on the coding strand, the reverse complement: COL1A1 is on the minus strand); the first of 5 consecutive G bases (chr17:50,194,803-50,194,807); deleting any one gives the same sequence. VCF-style (leftmost placement, unchanged base first): chr17-50194802-AG-A. GRCh37 (hg19) VCF-style: chr17-48272163-AG-A.
Other names: c.1379delC (NM_000088.3); c.1379del, p.Pro460fs (LRG_1t1); short protein forms P460fs.
Identifiers: ClinVar variation 425582 (VCV000425582.4), dbSNP rs1114167377, ClinGen allele CA645294110.